The following is an entry in ClinVar:

NM_003620.4(PPM1D):c.1784T>C (p.Leu595Pro)

Gene: PPM1D (protein phosphatase, Mg2+/Mn2+ dependent 1D; plus strand). Cytogenetic location: 17q23.2.
Variant type: single nucleotide variant.
Coding change: c.1784T>C on transcript NM_003620.4 (MANE Select); coding-DNA position 1784, T replaced by C.
Protein change: p.Leu595Pro; replaces leucine 595 with proline.
Molecular consequence: missense variant.
Genome position (GRCh38, 1-based): chr17:60,663,518, T>C. VCF-style: chr17-60663518-T-C. GRCh37 (hg19) VCF-style: chr17-58740879-T-C.
Other names: short protein forms L595P.
Identifiers: ClinVar variation 2577665 (VCV002577665.1), dbSNP rs2544470969, ClinGen allele CA400459330.

ClinVar aggregate classification (germline): Uncertain significance (1 of 4 stars; one submission).

Submission:

GeneDx
Classification: Uncertain significance. Last evaluated: 2023-02-22. Review status: criteria provided, single submitter. Criteria: GeneDx Variant Classification Process June 2021. Collection method: clinical testing. Allele origin: germline. Affected: yes.
Comment: Not observed at significant frequency in large population cohorts (gnomAD); In silico analysis supports that this missense variant has a deleterious effect on protein structure/function; Has not been previously published as pathogenic or benign to our knowledge